The following is an entry in ClinVar:

NM_000152.5(GAA):c.1622C>T (p.Pro541Leu)

Gene: GAA (alpha glucosidase; plus strand). Cytogenetic location: 17q25.3.
Variant type: single nucleotide variant.
Coding change: c.1622C>T on transcript NM_000152.5 (MANE Select); coding-DNA position 1622, C replaced by T.
Protein change: p.Pro541Leu; replaces proline 541 with leucine.
Molecular consequence: missense variant.
Genome position (GRCh38, 1-based): chr17:80,111,011, C>T. VCF-style: chr17-80111011-C-T. GRCh37 (hg19) VCF-style: chr17-78084810-C-T.
Other names: c.1622C>T, p.Pro541Leu (NM_001079803.3, NM_001079804.3, NM_001406741.1 and 1 more transcripts); short protein forms P541L.
Identifiers: ClinVar variation 4876635 (VCV004876635.1).

ClinVar aggregate classification (germline): Likely pathogenic (1 of 4 stars; one submission).

Conditions:
Glycogen storage disease, type II (IOPD). Also called: Pompe Disease; CARDIOMEGALIA GLYCOGENICA DIFFUSA; GLYCOGENOSIS, GENERALIZED, CARDIAC FORM; GSD II; POMPE DISEASE, INFANTILE-ONSET; GLYCOGEN STORAGE DISEASE II, INFANTILE-ONSET. Identifiers: Orphanet 365, MedGen C0017921, MONDO:0009290, OMIM 232300.

Submission:

Genomenon, Inc
Classification: Likely pathogenic for Glycogen storage disease, type II. Last evaluated: 2026-07-01. Review status: criteria provided, single submitter. Criteria: Genomenon Sequence Variant Interpretation Standards - Updated. Collection method: curation. Allele origin: germline. Affected: yes.
Comment: GAA p.Pro541Leu (c.1622C>T) is a missense variant that changes the amino acid at codon 541 from Proline to Leucine. This variant has been observed in at least one proband with a GAA-related disorder in the compound heterozygous and/or homozygous state (PMID:38739391;36105079). It is absent or not present at a significant frequency in gnomAD. In silico models predict that this variant is possibly or probably damaging. In conclusion, we classify GAA p.Pro541Leu (c.1622C>T) as a likely pathogenic variant.

Literature cited by the submitters: PubMed 38739391; PubMed 36105079.